The following is an entry in ClinVar:

NM_022089.4(ATP13A2):c.2593G>A (p.Glu865Lys)

Gene: ATP13A2 (ATPase cation transporting 13A2; minus strand). Cytogenetic location: 1p36.13.
Variant type: single nucleotide variant.
Coding change: c.2593G>A on transcript NM_022089.4 (MANE Select); coding-DNA position 2593, G replaced by A.
Protein change: p.Glu865Lys; replaces glutamic acid 865 with lysine.
Molecular consequence: missense variant.
Genome position (GRCh38, 1-based): chr1:16,989,707, C>T on the plus strand (G>A on the coding strand, the complement: ATP13A2 is on the minus strand). VCF-style: chr1-16989707-C-T. GRCh37 (hg19) VCF-style: chr1-17316202-C-T.
Other names: c.2593G>A (NM_022089.2); c.2578G>A, p.Glu860Lys (NM_001141973.3); c.2461G>A, p.Glu821Lys (NM_001141974.3); short protein forms E860K, E865K, E821K.
Identifiers: ClinVar variation 973288 (VCV000973288.10), dbSNP rs148534162, ClinGen allele CA636779.
Genomic context (GRCh38, chr1:16,989,707, plus strand): 5'-CAGTCTCCGCAGGCCCTTGCCCACACCCTCTGCCGAGCACTCACTGAAGCTTCTGTAGCT[C>T]GCACACCAGCTCTGTCTTCTGCTCAGGGGCCATGCGGGCAAAGACAGTGCCCTGGACCAG-3'
Protein context (NP_071372.1, residues 855-875): APEQKTELVC[Glu865Lys]LQKLQYCVGM

ClinVar aggregate classification (germline): Conflicting classifications of pathogenicity. Review status: criteria provided, conflicting classifications (1 of 4 stars). 4 submissions from 4 submitters: Uncertain significance (3); Likely benign (1). Last evaluated 2025-10-06.

Conditions:
ATP13A2-related disorder. Also called: ATP13A2-related disorders; ATP13A2-related condition.
Autosomal recessive spastic paraplegia type 78. Identifiers: Orphanet 513436, MedGen C5567893, MONDO:0014975, OMIM 617225.
Kufor-Rakeb syndrome (KRS). Also called: PARKINSON DISEASE 9, AUTOSOMAL RECESSIVE, JUVENILE-ONSET. Identifiers: Orphanet 306674, Orphanet 314632, MedGen C1847640, MONDO:0011706, OMIM 606693.
Inborn genetic diseases. Identifiers: MedGen C0950123, MeSH D030342.

Allele frequency attached by ClinVar (database versions not stated): gnomAD exomes 0.00003 and 0.00006; ExAC 0.00004; gnomAD 0.00010 and 0.00011; TOPMed 0.00013; ESP Exome Variant Server 0.00015.
gnomAD v4.1: 67 of 1,613,978 alleles (0.0042%); highest among the groups gnomAD compares: African/African-American, 0.023%; no homozygotes.

Submissions (4):

Labcorp Genetics (formerly Invitae), Labcorp
Classification: Uncertain significance for Kufor-Rakeb syndrome; Autosomal recessive spastic paraplegia type 78. Last evaluated: 2025-10-06. Review status: criteria provided, single submitter. Criteria: Invitae Variant Classification Sherloc (09022015). Collection method: clinical testing. Allele origin: germline.
Comment: This sequence change replaces glutamic acid, which is acidic and polar, with lysine, which is basic and polar, at codon 865 of the ATP13A2 protein (p.Glu865Lys). This variant is present in population databases (rs148534162, gnomAD 0.03%). This variant has not been reported in the literature in individuals affected with ATP13A2-related conditions. ClinVar contains an entry for this variant (Variation ID: 973288). Invitae Evidence Modeling of protein sequence and biophysical properties (such as structural, functional, and spatial information, amino acid conservation, physicochemical variation, residue mobility, and thermodynamic stability) indicates that this missense variant is not expected to disrupt ATP13A2 protein function with a negative predictive value of 80%. In summary, the available evidence is currently insufficient to determine the role of this variant in disease. Therefore, it has been classified as a Variant of Uncertain Significance.

Blueprint Genetics
Classification: Uncertain significance. Last evaluated: 2023-10-24. Review status: criteria provided, single submitter. Criteria: ACMG Guidelines, 2015. Collection method: clinical testing. Allele origin: germline.

Ambry Genetics
Classification: Likely benign for Inborn genetic diseases. Last evaluated: 2021-07-06. Review status: criteria provided, single submitter. Criteria: Ambry Variant Classification Scheme 2023. Collection method: clinical testing. Allele origin: germline.

Illumina Laboratory Services, Illumina
Classification: Uncertain significance for ATP13A2-related disorders. Last evaluated: 2019-11-04. Review status: criteria provided, single submitter. Criteria: ICSLVariantClassificationCriteria RUGD 01 April 2020. Collection method: clinical testing. Allele origin: unknown.
Comment: The ATP13A2 c.2593G>A (p.Glu865Lys) variant is a missense variant. A literature search was performed for the gene, cDNA change, and amino acid change. No publications were found based on this search. This variant is found in the African population of the Genome Aggregation Database at a frequency of 0.000321. Based on the limited evidence, the p.Glu865Lys variant is classified as a variant of unknown significance for ATP13A2-related disorders